The following is an entry in ClinVar:

ClinVar aggregate classification (germline): Uncertain significance (1 of 4 stars; one submission).

Conditions:
CREBBP-related disorder. Also called: CREBBP-related disorders; CREBBP-related condition.

Submission:

PreventionGenetics, part of Exact Sciences
Classification: Uncertain significance for CREBBP-related condition. Last evaluated: 2026-09-02. Review status: criteria provided, single submitter. Criteria: ACMG Guidelines, 2015. Collection method: clinical testing. Allele origin: germline.
Comment: The CREBBP c.5979C>G variant is predicted to result in the amino acid substitution p.Ser1993Arg. To our knowledge, this variant has not been reported in the literature or in a large population database (gnomAD), indicating this variant is rare. At this time, the clinical significance of this variant is uncertain due to the absence of conclusive functional and genetic evidence.

NM_004380.3(CREBBP):c.5979C>G (p.Ser1993Arg)

Gene: CREBBP (CREB binding lysine acetyltransferase; minus strand). Cytogenetic location: 16p13.3.
Variant type: single nucleotide variant.
Coding change: c.5979C>G on transcript NM_004380.3 (MANE Select); coding-DNA position 5979, C replaced by G.
Protein change: p.Ser1993Arg; replaces serine 1993 with arginine.
Molecular consequence: missense variant.
Genome position (GRCh38, 1-based): chr16:3,729,068, G>C on the plus strand (C>G on the coding strand, the complement: CREBBP is on the minus strand). VCF-style: chr16-3729068-G-C. GRCh37 (hg19) VCF-style: chr16-3779069-G-C.
Other names: c.5865C>G, p.Ser1955Arg (NM_001079846.1); short protein forms S1993R, S1955R.
Identifiers: ClinVar variation 4994836 (VCV004994836.1).
Genomic context (GRCh38, chr16:3,729,068, plus strand): 5'-CATGACGGGCCCGCTCACCTGGTTGGGTCGGGGCACATTCAGGCTCACGGGGGCCATCTG[G>C]CTCCCCGGGGTCCCCATGCCCGTGCGTCCTGGGGGCATGCTGTTGTTGATGTTCACCCGG-3'
Protein context (NP_004371.2, residues 1983-2003): PGRTGMGTPG[Ser1993Arg]QMAPVSLNVP